The following is an entry in ClinVar:

ClinVar aggregate classification (germline): Uncertain significance (1 of 4 stars; one submission).

Submission:

Ambry Genetics
Classification: Uncertain significance. Last evaluated: 2026-08-20. Review status: criteria provided, single submitter. Criteria: Ambry Variant Classification Scheme 2023. Collection method: clinical testing. Allele origin: germline.
Comment: The p.Q189R variant (also known as c.566A>G), located in coding exon 4 of the ATRIP gene, results from an A to G substitution at nucleotide position 566. The glutamine at codon 189 is replaced by arginine, an amino acid with highly similar properties. This amino acid position is conserved. In addition, the in silico prediction for this alteration is inconclusive. Based on the available evidence, the clinical significance of this variant remains unclear.

NM_130384.3(ATRIP):c.566A>G (p.Gln189Arg)

Genes: ATRIP (ATR interacting protein; plus strand), ATRIP-TREX1 (ATRIP-TREX1 readthrough; plus strand). Cytogenetic location: 3p21.31.
Variant type: single nucleotide variant.
Coding change: c.566A>G on transcript NM_130384.3 (MANE Select); coding-DNA position 566, A replaced by G.
Protein change: p.Gln189Arg; replaces glutamine 189 with arginine.
Molecular consequence: missense variant. On other transcripts: non-coding transcript variant (1).
Genome position (GRCh38, 1-based): chr3:48,454,313, A>G. VCF-style: chr3-48454313-A-G. GRCh37 (hg19) VCF-style: chr3-48495713-A-G.
Other names: c.185A>G, p.Gln62Arg (NM_001271022.2); c.287A>G, p.Gln96Arg (NM_001271023.2); c.566A>G, p.Gln189Arg (NM_032166.4); short protein forms Q62R, Q189R, Q96R.
Identifiers: ClinVar variation 5032465 (VCV005032465.1).